The following is an entry in ClinVar:

ClinVar aggregate classification (germline): Uncertain significance (1 of 4 stars; one submission).

Conditions:
Hereditary breast ovarian cancer syndrome. Also called: Hereditary breast and ovarian cancer; Breast and ovarian cancer; Hereditary breast and/or ovarian cancer syndrome; Hereditary breast and ovarian cancer syndrome; Hereditary breast and ovarian cancer syndrome (HBOC); BRCA1- and BRCA2-Associated Hereditary Breast and Ovarian Cancer. Identifiers: Orphanet 145, MedGen C0677776, MeSH D061325, MONDO:0003582. Disease mechanism: loss of function.

Submission:

Labcorp Genetics (formerly Invitae), Labcorp
Classification: Uncertain significance for Hereditary breast ovarian cancer syndrome. Last evaluated: 2025-11-06. Review status: criteria provided, single submitter. Criteria: Invitae Variant Classification Sherloc (09022015). Collection method: clinical testing. Allele origin: germline.
Comment: This sequence change replaces isoleucine, which is neutral and non-polar, with valine, which is neutral and non-polar, at codon 2719 of the BRCA2 protein (p.Ile2719Val). This variant is not present in population databases (gnomAD no frequency). This variant has not been reported in the literature in individuals affected with BRCA2-related conditions. ClinVar contains an entry for this variant (Variation ID: 860021). Invitae Evidence Modeling of protein sequence and biophysical properties (such as structural, functional, and spatial information, amino acid conservation, physicochemical variation, residue mobility, and thermodynamic stability) indicates that this missense variant is not expected to disrupt BRCA2 protein function with a negative predictive value of 95%. In summary, the available evidence is currently insufficient to determine the role of this variant in disease. Therefore, it has been classified as a Variant of Uncertain Significance.

NM_000059.4(BRCA2):c.8155A>G (p.Ile2719Val)

Gene: BRCA2 (BRCA2 DNA repair associated; plus strand). Cytogenetic location: 13q13.1.
Variant type: single nucleotide variant.
Coding change: c.8155A>G on transcript NM_000059.4 (MANE Select); coding-DNA position 8155, A replaced by G.
Protein change: p.Ile2719Val; replaces isoleucine 2719 with valine.
Molecular consequence: missense variant.
Genome position (GRCh38, 1-based): chr13:32,363,357, A>G. VCF-style: chr13-32363357-A-G. GRCh37 (hg19) VCF-style: chr13-32937494-A-G.
Other names: short protein forms I2719V.
Identifiers: ClinVar variation 860021 (VCV000860021.10), dbSNP rs2072757462, ClinGen allele CA387749534.
Genomic context (GRCh38, chr13:32,363,357, plus strand): 5'-AATATATCTGAAACTTCTAGCAATAAAACTAGTAGTGCAGATACCCAAAAAGTGGCCATT[A>G]TTGAACTTACAGATGGGTGGTATGCTGTTAAGGCCCAGTTAGATCCTCCCCTCTTAGCTG-3'
Protein context (NP_000050.3, residues 2709-2729): SSADTQKVAI[Ile2719Val]ELTDGWYAVK